The following is an entry in ClinVar:

NM_024665.7(TBL1XR1):c.1000T>C (p.Cys334Arg)

Genes: TBL1XR1 (TBL1X/Y related 1; minus strand), TBL1XR1-AS1 (TBL1XR1 antisense RNA 1; plus strand), LOC126806878 (CDK7 strongly-dependent group 2 enhancer GRCh37_chr3:176755168-176756367; plus strand). Cytogenetic location: 3q26.32.
Variant type: single nucleotide variant.
Coding change: c.1000T>C on transcript NM_024665.7 (MANE Select); coding-DNA position 1000, T replaced by C.
Protein change: p.Cys334Arg; replaces cysteine 334 with arginine.
Molecular consequence: missense variant.
Genome position (GRCh38, 1-based): chr3:177,038,360, A>G on the plus strand (T>C on the coding strand, the complement: TBL1XR1 is on the minus strand). VCF-style: chr3-177038360-A-G. GRCh37 (hg19) VCF-style: chr3-176756148-A-G.
Other names: c.1000T>C, p.Cys334Arg (NM_001321193.3, NM_001321194.3, NM_001374327.1 and 2 more transcripts); c.739T>C, p.Cys247Arg (NM_001321195.3, NM_001374330.1); short protein forms C334R, C247R.
Identifiers: ClinVar variation 666258 (VCV000666258.6), dbSNP rs1576994101, ClinGen allele CA355555334.

ClinVar aggregate classification (germline): Pathogenic/Likely pathogenic. Review status: criteria provided, multiple submitters, no conflicts (2 of 4 stars). 2 submissions from 2 submitters: Pathogenic (1); Likely pathogenic (1). Last evaluated 2025-08-21.

Conditions:
Pierpont syndrome (PRPTS). Identifiers: Orphanet 487825, MedGen C1865644, MONDO:0011213, OMIM 602342.
Intellectual developmental disorder, autosomal dominant 41. Also called: Intellectual disability, autosomal dominant 41. Identifiers: Orphanet 2823, MedGen C4310784, MONDO:0014842, OMIM 616944.

Submissions (2):

Labcorp Genetics (formerly Invitae), Labcorp
Classification: Pathogenic for Pierpont syndrome. Last evaluated: 2025-08-21. Review status: criteria provided, single submitter. Criteria: Invitae Variant Classification Sherloc (09022015). Collection method: clinical testing. Allele origin: germline.
Comment: This sequence change replaces cysteine, which is neutral and slightly polar, with arginine, which is basic and polar, at codon 334 of the TBL1XR1 protein (p.Cys334Arg). This variant is not present in population databases (gnomAD no frequency). This missense change has been observed in individual(s) with clinical features of TBL1XR1-related conditions (PMID: 34653234). In at least one individual the variant was observed to be de novo. ClinVar contains an entry for this variant (Variation ID: 666258). Invitae Evidence Modeling of protein sequence and biophysical properties (such as structural, functional, and spatial information, amino acid conservation, physicochemical variation, residue mobility, and thermodynamic stability) indicates that this missense variant is expected to disrupt TBL1XR1 protein function with a positive predictive value of 95%. For these reasons, this variant has been classified as Pathogenic.

Genetics Laboratory - UDIAT Centre Diagnòstic, Hospital Universitari Parc Tauli
Classification: Likely pathogenic for Intellectual developmental disorder, autosomal dominant 41. Last evaluated: 2019-07-10. Review status: criteria provided, single submitter. Criteria: ACMG Guidelines, 2015. Collection method: clinical testing. Allele origin: de novo. Affected: yes.

Literature cited by the submitters: PubMed 34653234 (cited by Labcorp Genetics (formerly Invitae), Labcorp).